The following is an entry in ClinVar:

NM_000092.5(COL4A4):c.1634G>A (p.Gly545Asp)

Gene: COL4A4 (collagen type IV alpha 4 chain; minus strand). Cytogenetic location: 2q36.3.
Variant type: single nucleotide variant.
Coding change: c.1634G>A on transcript NM_000092.5 (MANE Select); coding-DNA position 1634, G replaced by A.
Protein change: p.Gly545Asp; replaces glycine 545 with aspartic acid.
Molecular consequence: missense variant.
Genome position (GRCh38, 1-based): chr2:227,082,177, C>T on the plus strand (G>A on the coding strand, the complement: COL4A4 is on the minus strand). VCF-style: chr2-227082177-C-T. GRCh37 (hg19) VCF-style: chr2-227946893-C-T.
Other names: short protein forms G545D.
Identifiers: ClinVar variation 4850894 (VCV004850894.3).

ClinVar aggregate classification (germline): Conflicting classifications of pathogenicity. Review status: criteria provided, conflicting classifications (1 of 4 stars). 2 submissions from 2 submitters: Likely pathogenic (1); Uncertain significance (1). Last evaluated 2024-08-01.

Conditions:
Kidney failure. Identifiers: MedGen C0035078, MONDO:0001106.
Autosomal recessive Alport syndrome (ATS2). Also called: COL4A4 Alport Syndrome and Thin Basement Membrane Nephropathy; ALPORT SYNDROME 2, AUTOSOMAL RECESSIVE; Alport syndrome type 2; COL4A3-Related Nephropathy. Identifiers: Orphanet 63, Orphanet 88919, MedGen C4746745, MONDO:0008762, OMIM 203780.

gnomAD v4.1: 1 of 1,613,962 alleles (0.000062%); highest among the groups gnomAD compares: Non-Finnish European, 0.000085%; no homozygotes.

Submissions (2):

Genetics laboratory, Institute of Kidney Diseases & Research Centre Dr. H.L. Trivedi Institute Of Transplantation Sciences
Classification: Uncertain significance for Autosomal recessive Alport syndrome. Last evaluated: 2024-08-01. Review status: criteria provided, single submitter. Criteria: ACMG Guidelines, 2015. Collection method: clinical testing. Allele origin: germline. Inheritance: Autosomal dominant inheritance. Affected: yes. Observed: 1 variant allele, 1 heterozygote.
Comment: The COL4A4 variant c.1634G>A (p.Gly545Asp) is classified as a Variant of Uncertain Significance based on ACMG criteria. The variant results in substitution of a conserved glycine residue within the collagenous Gly-X-Y domain, a critical region for collagen IV structure. Although glycine substitutions represent a known pathogenic mechanism in COL4A4-related disease, current evidence is insufficient to establish pathogenicity.

AURAGEN, Plan France Médecine Génomique
Classification: Likely pathogenic for Kidney failure. Last evaluated: 2022-07-13. Review status: criteria provided, single submitter. Criteria: PFMG2025 (Lancet Reg Health Eur. 2025). Collection method: clinical testing. Allele origin: germline. Affected: yes.